The following is an entry in ClinVar:

ClinVar aggregate classification (germline): Uncertain significance (1 of 4 stars; one submission).

Conditions:
Familial thoracic aortic aneurysm and aortic dissection (TAAD). Also called: Thoracic aortic aneurysms and dissections. Identifiers: Orphanet 91387, MedGen C4707243, MONDO:0019625.
Marfan syndrome (MFS). Also called: Marfan syndrome, classic; Marfan syndrome type 1; Marfan's syndrome; FBN1-Related Marfan Syndrome; MARFAN SYNDROME, TYPE I. Identifiers: Orphanet 284963, Orphanet 558, MedGen C0024796, MONDO:0007947, OMIM 154700.

Allele frequency attached by ClinVar (database versions not stated): TOPMed 0.00001; gnomAD 0.00001.
gnomAD v4.1: 1 of 1,613,940 alleles (0.000062%); highest among the groups gnomAD compares: Admixed American, 0.0017%; no homozygotes.

Submission:

Labcorp Genetics (formerly Invitae), Labcorp
Classification: Uncertain significance for Marfan syndrome; Familial thoracic aortic aneurysm and aortic dissection. Last evaluated: 2022-08-10. Review status: criteria provided, single submitter. Criteria: Invitae Variant Classification Sherloc (09022015). Collection method: clinical testing. Allele origin: germline.
Comment: In summary, the available evidence is currently insufficient to determine the role of this variant in disease. Therefore, it has been classified as a Variant of Uncertain Significance. Algorithms developed to predict the effect of missense changes on protein structure and function are either unavailable or do not agree on the potential impact of this missense change (SIFT: "Deleterious"; PolyPhen-2: "Possibly Damaging"; Align-GVGD: "Class C0"). ClinVar contains an entry for this variant (Variation ID: 943446). This variant has not been reported in the literature in individuals affected with FBN1-related conditions. This variant is not present in population databases (gnomAD no frequency). This sequence change replaces isoleucine, which is neutral and non-polar, with methionine, which is neutral and non-polar, at codon 2777 of the FBN1 protein (p.Ile2777Met).

NM_000138.5(FBN1):c.8331C>G (p.Ile2777Met)

Gene: FBN1 (fibrillin 1; minus strand). Cytogenetic location: 15q21.1.
Variant type: single nucleotide variant.
Coding change: c.8331C>G on transcript NM_000138.5 (MANE Select); coding-DNA position 8331, C replaced by G.
Protein change: p.Ile2777Met; replaces isoleucine 2777 with methionine.
Molecular consequence: missense variant.
Genome position (GRCh38, 1-based): chr15:48,411,275, G>C on the plus strand (C>G on the coding strand, the complement: FBN1 is on the minus strand). VCF-style: chr15-48411275-G-C. GRCh37 (hg19) VCF-style: chr15-48703472-G-C.
Other names: short protein forms I2777M.
Identifiers: ClinVar variation 943446 (VCV000943446.9), dbSNP rs1427984176, ClinGen allele CA392319568.